The following is an entry in ClinVar:

ClinVar aggregate classification (germline): Uncertain significance (1 of 4 stars; one submission).

Conditions:
Myofibrillar myopathy 4. Also called: Zaspopathy (type). Identifiers: Orphanet 98912, MedGen C4721886, MONDO:0012277, OMIM 609452.

Allele frequency attached by ClinVar (database versions not stated): TOPMed 0.00002.

Submission:

Labcorp Genetics (formerly Invitae), Labcorp
Classification: Uncertain significance for Myofibrillar myopathy 4. Last evaluated: 2022-03-10. Review status: criteria provided, single submitter. Criteria: Invitae Variant Classification Sherloc (09022015). Collection method: clinical testing. Allele origin: germline.
Comment: In summary, the available evidence is currently insufficient to determine the role of this variant in disease. Therefore, it has been classified as a Variant of Uncertain Significance. Experimental studies and prediction algorithms are not available or were not evaluated, and the effect of this variant on mRNA splicing is currently unknown. This variant has not been reported in the literature in individuals affected with LDB3-related conditions. This variant is not present in population databases (gnomAD no frequency). This sequence change falls in intron 12 of the LDB3 gene. It does not directly change the encoded amino acid sequence of the LDB3 protein. The LDB3 gene has multiple clinically relevant transcripts. This variant occurs in alternate transcript NM_007078.3, and corresponds to NM_001080116.1:c.*26756A>C in the primary transcript.

NM_007078.3(LDB3):c.1979-7A>C

Gene: LDB3 (LIM domain binding 3; plus strand). Cytogenetic location: 10q23.2.
Variant type: single nucleotide variant.
Coding change: c.1979-7A>C on transcript NM_007078.3 (MANE Select); 7 bases into the intron before coding-DNA position 1979, A replaced by C.
Molecular consequence: intron variant.
Genome position (GRCh38, 1-based): chr10:86,726,130, A>C. VCF-style: chr10-86726130-A-C. GRCh37 (hg19) VCF-style: chr10-88485887-A-C.
Other names: c.1790-7A>C (NM_001368064.1, NM_001368065.1); c.1994-7A>C (NM_001171610.2); c.1838-7A>C (NM_001368066.1); c.1649-7A>C (NM_001080114.2).
Identifiers: ClinVar variation 2196089 (VCV002196089.4), dbSNP rs1452733136, ClinGen allele CA669476569.